The following is an entry in ClinVar:

ClinVar aggregate classification (germline): Likely benign. Review status: criteria provided, single submitter (1 of 4 stars). 2 submissions from 2 submitters: Likely benign (1). 1 of the submissions does not count toward it. Last evaluated 2026-07-01.

Conditions:
SLC4A10-related disorder. Also called: SLC4A10-related condition.

Allele frequency attached by ClinVar (database versions not stated): ExAC 0.00080; ESP Exome Variant Server 0.00227; 1000 Genomes Project 0.00339; 1000 Genomes Project 30x 0.00344.
gnomAD v4.1: 639 of 1,594,402 alleles (0.04%); highest among the groups gnomAD compares: African/African-American, 0.8%; 3 homozygotes.

Submissions (2):

CeGaT Center for Human Genetics Tuebingen
Classification: Likely benign. Last evaluated: 2026-07-01. Review status: criteria provided, single submitter. Criteria: CeGaT Center For Human Genetics Tuebingen Variant Classification Criteria Version 2. Collection method: clinical testing. Allele origin: germline. Affected: yes. Observed: 3 variant alleles.
Comment: SLC4A10: BS2

PreventionGenetics, part of Exact Sciences
Classification: Likely benign for SLC4A10-related condition. Last evaluated: 2021-09-17. Review status: no assertion criteria provided. Collection method: clinical testing. Allele origin: germline. Not counted in ClinVar's aggregate classification.
Comment: This variant is classified as likely benign based on ACMG/AMP sequence variant interpretation guidelines (Richards et al. 2015 PMID: 25741868, with internal and published modifications).

NM_001178015.2(SLC4A10):c.875A>T (p.Gln292Leu)

Gene: SLC4A10 (solute carrier family 4 member 10; plus strand). Cytogenetic location: 2q24.2.
Variant type: single nucleotide variant.
Coding change: c.875A>T on transcript NM_001178015.2 (MANE Select); coding-DNA position 875, A replaced by T.
Protein change: p.Gln292Leu; replaces glutamine 292 with leucine.
Molecular consequence: missense variant. On other transcripts: intron variant (12).
Genome position (GRCh38, 1-based): chr2:161,873,932, A>T. VCF-style: chr2-161873932-A-T. GRCh37 (hg19) VCF-style: chr2-162730442-A-T.
Other names: c.875A>T, p.Gln292Leu (NM_001354440.2); c.908A>T, p.Gln303Leu (NM_001354441.2, NM_001354442.2); c.872A>T, p.Gln291Leu (NM_001354444.2); c.911A>T, p.Gln304Leu (NM_001354460.2, NM_001354461.2); c.894+1548A>T (NM_001354447.2, NM_001354443.2); c.891+1548A>T (NM_001178016.2, NM_001354445.2); c.888+1548A>T (NM_001354448.2); c.279+1548A>T (NM_001354455.2); and 3 more; short protein forms Q291L, Q292L, Q303L, Q304L.
Identifiers: ClinVar variation 3050420 (VCV003050420.9), dbSNP rs181577709, ClinGen allele CA1931292.